The following is an entry in ClinVar:

NM_052947.4(ALPK2):c.935C>G (p.Pro312Arg)

Genes: ALPK2 (alpha kinase 2; minus strand), LOC114803473 (ALPK2 eExon liver enhancer; plus strand). Cytogenetic location: 18q21.31.
Variant type: single nucleotide variant.
Coding change: c.935C>G on transcript NM_052947.4 (MANE Select); coding-DNA position 935, C replaced by G.
Protein change: p.Pro312Arg; replaces proline 312 with arginine.
Molecular consequence: missense variant.
Genome position (GRCh38, 1-based): chr18:58,579,841, G>C on the plus strand (C>G on the coding strand, the complement: ALPK2 is on the minus strand). VCF-style: chr18-58579841-G-C. GRCh37 (hg19) VCF-style: chr18-56247073-G-C.
Other names: short protein forms P312R.
Identifiers: ClinVar variation 3228875 (VCV003228875.1), dbSNP rs751628401, ClinGen allele CA402566695.

ClinVar aggregate classification (germline): Uncertain significance (1 of 4 stars; one submission).

Submission:

Ambry Genetics
Classification: Uncertain significance. Last evaluated: 2023-10-27. Review status: criteria provided, single submitter. Criteria: Ambry Variant Classification Scheme 2023. Collection method: clinical testing. Allele origin: germline.
Comment: The p.P312R variant (also known as c.935C>G), located in coding exon 3 of the ALPK2 gene, results from a C to G substitution at nucleotide position 935. The proline at codon 312 is replaced by arginine, an amino acid with dissimilar properties. This amino acid position is conserved. In addition, the in silico prediction for this alteration is inconclusive. Since supporting evidence is limited at this time, the clinical significance of this alteration remains unclear.